The following is an entry in ClinVar:

NM_001257096.2(PAX1):c.358C>T (p.Arg120Cys)

Gene: PAX1 (paired box 1; plus strand). Cytogenetic location: 20p11.22.
Variant type: single nucleotide variant.
Coding change: c.358C>T on transcript NM_001257096.2 (MANE Select); coding-DNA position 358, C replaced by T.
Protein change: p.Arg120Cys; replaces arginine 120 with cysteine.
Molecular consequence: missense variant.
Genome position (GRCh38, 1-based): chr20:21,706,509, C>T. VCF-style: chr20-21706509-C-T. GRCh37 (hg19) VCF-style: chr20-21687147-C-T.
Other names: c.358C>T, p.Arg120Cys (NM_006192.5); short protein forms R120C.
Identifiers: ClinVar variation 3600636 (VCV003600636.1).

ClinVar aggregate classification (germline): Uncertain significance (1 of 4 stars; one submission).

Submission:

GeneDx
Classification: Uncertain significance. Last evaluated: 2024-07-25. Review status: criteria provided, single submitter. Criteria: GeneDx Variant Classification Process June 2021. Collection method: clinical testing. Allele origin: germline. Affected: yes.
Comment: Not observed at significant frequency in large population cohorts (gnomAD); In silico analysis supports that this missense variant has a deleterious effect on protein structure/function; Has not been previously published as pathogenic or benign to our knowledge